The following is an entry in ClinVar:

ClinVar aggregate classification (germline): Conflicting classifications of pathogenicity. Review status: criteria provided, conflicting classifications (1 of 4 stars). 5 submissions from 5 submitters: Uncertain significance (3); Likely benign (2). Last evaluated 2026-07-01.

Conditions:
Emery-Dreifuss muscular dystrophy 5, autosomal dominant (EDMD5). Also called: EMERY-DREIFUSS MUSCULAR DYSTROPHY 5. Identifiers: Orphanet 261, MedGen C2751805, MONDO:0013072, OMIM 612999.

Allele frequency attached by ClinVar (database versions not stated): gnomAD 0.00002; gnomAD exomes 0.00003 and 0.00007; TOPMed 0.00003; ExAC 0.00008.
gnomAD v4.1: 45 of 1,601,716 alleles (0.0028%); highest among the groups gnomAD compares: Non-Finnish European, 0.0038%; no homozygotes.

Submissions (5):

CeGaT Center for Human Genetics Tuebingen
Classification: Likely benign. Last evaluated: 2026-07-01. Review status: criteria provided, single submitter. Criteria: CeGaT Center For Human Genetics Tuebingen Variant Classification Criteria Version 2. Collection method: clinical testing. Allele origin: germline. Affected: yes. Observed: 1 variant allele.
Comment: SYNE2: BS2

Ambry Genetics
Classification: Uncertain significance. Last evaluated: 2025-11-05. Review status: criteria provided, single submitter. Criteria: Ambry Variant Classification Scheme 2023. Collection method: clinical testing. Allele origin: germline.

Labcorp Genetics (formerly Invitae), Labcorp
Classification: Uncertain significance for Emery-Dreifuss muscular dystrophy 5, autosomal dominant. Last evaluated: 2025-02-26. Review status: criteria provided, single submitter. Criteria: Invitae Variant Classification Sherloc (09022015). Collection method: clinical testing. Allele origin: germline.
Comment: This sequence change replaces phenylalanine, which is neutral and non-polar, with leucine, which is neutral and non-polar, at codon 1616 of the SYNE2 protein (p.Phe1616Leu). This variant is present in population databases (rs764521226, gnomAD 0.01%). This variant has not been reported in the literature in individuals affected with SYNE2-related conditions. ClinVar contains an entry for this variant (Variation ID: 196879). An algorithm developed to predict the effect of missense changes on protein structure and function (PolyPhen-2) suggests that this variant is likely to be disruptive. In summary, the available evidence is currently insufficient to determine the role of this variant in disease. Therefore, it has been classified as a Variant of Uncertain Significance.

Illumina Laboratory Services, Illumina
Classification: Likely benign for Emery-Dreifuss muscular dystrophy 5, autosomal dominant. Last evaluated: 2018-01-13. Review status: criteria provided, single submitter. Criteria: ICSL Variant Classification Criteria 13 December 2019. Collection method: clinical testing. Allele origin: germline.
Comment: This variant was observed in the ICSL laboratory as part of a predisposition screen in an ostensibly healthy population. It had not been previously curated by ICSL or reported in the Human Gene Mutation Database (HGMD: prior to June 1st, 2018), and was therefore a candidate for classification through an automated scoring system. Utilizing variant allele frequency, disease prevalence and penetrance estimates, and inheritance mode, an automated score was calculated to assess if this variant is too frequent to cause the disease. Based on the score and internal cut-off values, a variant classified as likely benign is not then subjected to further curation. The score for this variant resulted in a classification of likely benign for this disease.

Eurofins Ntd Llc (ga)
Classification: Uncertain significance. Last evaluated: 2014-12-15. Review status: criteria provided, single submitter. Criteria: EGL Classification Definitions 2015. Collection method: clinical testing. Allele origin: germline. Observed: 1 variant allele, 1 heterozygote.

NM_182914.3(SYNE2):c.4846T>C (p.Phe1616Leu)

Gene: SYNE2 (spectrin repeat containing nuclear envelope protein 2; plus strand). Cytogenetic location: 14q23.2.
Variant type: single nucleotide variant.
Coding change: c.4846T>C on transcript NM_182914.3 (MANE Select); coding-DNA position 4846, T replaced by C.
Protein change: p.Phe1616Leu; replaces phenylalanine 1616 with leucine.
Molecular consequence: missense variant.
Genome position (GRCh38, 1-based): chr14:64,016,590, T>C. VCF-style: chr14-64016590-T-C. GRCh37 (hg19) VCF-style: chr14-64483308-T-C.
Other names: c.4846T>C, p.Phe1616Leu (NM_015180.6); short protein forms F1616L.
Identifiers: ClinVar variation 196879 (VCV000196879.19), dbSNP rs764521226, ClinGen allele CA244657.